The following is an entry in ClinVar:

ClinVar aggregate classification (germline): Uncertain significance. Review status: criteria provided, multiple submitters, no conflicts (2 of 4 stars). 2 submissions from 2 submitters: Uncertain significance (2). Last evaluated 2024-11-11.

Conditions:
Left ventricular noncompaction 8 (LVNC8). Identifiers: Orphanet 154, Orphanet 54260, MedGen C3809288, MONDO:0014152, OMIM 615373.

Allele frequency attached by ClinVar (database versions not stated): gnomAD 0.00001.
gnomAD v4.1: 35 of 1,613,416 alleles (0.0022%); highest among the groups gnomAD compares: Non-Finnish European, 0.0028%; no homozygotes.

Submissions (2):

Labcorp Genetics (formerly Invitae), Labcorp
Classification: Uncertain significance for Left ventricular noncompaction 8. Last evaluated: 2024-11-11. Review status: criteria provided, single submitter. Criteria: Invitae Variant Classification Sherloc (09022015). Collection method: clinical testing. Allele origin: germline.
Comment: This sequence change replaces alanine, which is neutral and non-polar, with threonine, which is neutral and polar, at codon 697 of the PRDM16 protein (p.Ala697Thr). This variant is present in population databases (rs779334537, gnomAD 0.0009%). This variant has not been reported in the literature in individuals affected with PRDM16-related conditions. ClinVar contains an entry for this variant (Variation ID: 2056540). An algorithm developed to predict the effect of missense changes on protein structure and function (PolyPhen-2) suggests that this variant is likely to be disruptive. In summary, the available evidence is currently insufficient to determine the role of this variant in disease. Therefore, it has been classified as a Variant of Uncertain Significance.

GeneDx
Classification: Uncertain significance. Last evaluated: 2024-04-15. Review status: criteria provided, single submitter. Criteria: GeneDx Variant Classification Process June 2021. Collection method: clinical testing. Allele origin: germline. Affected: yes.
Comment: Has not been previously published as pathogenic or benign to our knowledge; Not observed at significant frequency in large population cohorts (gnomAD); In silico analysis indicates that this missense variant does not alter protein structure/function

NM_022114.4(PRDM16):c.2089G>A (p.Ala697Thr)

Gene: PRDM16 (PR/SET domain 16; plus strand). Cytogenetic location: 1p36.32.
Variant type: single nucleotide variant.
Coding change: c.2089G>A on transcript NM_022114.4 (MANE Select); coding-DNA position 2089, G replaced by A.
Protein change: p.Ala697Thr; replaces alanine 697 with threonine.
Molecular consequence: missense variant.
Genome position (GRCh38, 1-based): chr1:3,412,286, G>A. VCF-style: chr1-3412286-G-A. GRCh37 (hg19) VCF-style: chr1-3328850-G-A.
Other names: c.2089G>A, p.Ala697Thr (NM_199454.3); c.2089G>A (NM_022114.3); short protein forms A697T.
Identifiers: ClinVar variation 2056540 (VCV002056540.5), dbSNP rs779334537, ClinGen allele CA544379.
Genomic context (GRCh38, chr1:3,412,286, plus strand): 5'-CCACCCGACGAGCAGCTGCTGACTGCAACGGGCGCCGCCGGGGACTCCATCAAGGCCATC[G>A]CATCCATTGCCGAGAAGTACTTTGGCCCCGGCTTCATGGGGATGCAGGAGAAGAAGCTGG-3'
Protein context (NP_071397.3, residues 687-707): GAAGDSIKAI[Ala697Thr]SIAEKYFGPG